The following is an entry in ClinVar:

ClinVar aggregate classification (germline): Uncertain significance (1 of 4 stars; one submission).

Conditions:
POLD1-related polyposis and colorectal cancer syndrome (CRCS10). Also called: Colorectal cancer 10; COLORECTAL CANCER, SUSCEPTIBILITY TO, ON CHROMOSOME 19q; Colorectal cancer, susceptibility to, 10. Identifiers: Orphanet 220460, MedGen C2675481, MONDO:0012953, OMIM 612591.

Submission:

Labcorp Genetics (formerly Invitae), Labcorp
Classification: Uncertain significance for POLD1-related polyposis and colorectal cancer syndrome. Last evaluated: 2022-06-07. Review status: criteria provided, single submitter. Criteria: Invitae Variant Classification Sherloc (09022015). Collection method: clinical testing. Allele origin: germline.
Comment: This sequence change replaces lysine, which is basic and polar, with asparagine, which is neutral and polar, at codon 1083 of the POLD1 protein (p.Lys1083Asn). This variant is not present in population databases (gnomAD no frequency). This variant has not been reported in the literature in individuals affected with POLD1-related conditions. Algorithms developed to predict the effect of missense changes on protein structure and function are either unavailable or do not agree on the potential impact of this missense change (SIFT: "Tolerated"; PolyPhen-2: "Probably Damaging"; Align-GVGD: "Class C0"). In summary, the available evidence is currently insufficient to determine the role of this variant in disease. Therefore, it has been classified as a Variant of Uncertain Significance.

NM_002691.4(POLD1):c.3249G>T (p.Lys1083Asn)

Gene: POLD1 (DNA polymerase delta 1, catalytic subunit; plus strand). Cytogenetic location: 19q13.33.
Variant type: single nucleotide variant.
Coding change: c.3249G>T on transcript NM_002691.4 (MANE Select); coding-DNA position 3249, G replaced by T.
Protein change: p.Lys1083Asn; replaces lysine 1083 with asparagine.
Molecular consequence: missense variant. On other transcripts: non-coding transcript variant (1).
Genome position (GRCh38, 1-based): chr19:50,417,872, G>T. VCF-style: chr19-50417872-G-T. GRCh37 (hg19) VCF-style: chr19-50921129-G-T.
Other names: c.3249G>T, p.Lys1083Asn (NM_001256849.1); c.3327G>T, p.Lys1109Asn (NM_001308632.1); short protein forms K1109N, K1083N.
Identifiers: ClinVar variation 2002615 (VCV002002615.4), dbSNP rs760214407, ClinGen allele CA406987763.